The following is an entry in ClinVar:

ClinVar aggregate classification (germline): Uncertain significance. Review status: criteria provided, multiple submitters, no conflicts (2 of 4 stars). 2 submissions from 2 submitters: Uncertain significance (2). Last evaluated 2025-09-05.

Conditions:
Hereditary cancer-predisposing syndrome. Also called: Hereditary Cancer Syndrome; Hereditary neoplastic syndrome; Neoplastic Syndromes, Hereditary; Tumor predisposition. Identifiers: Orphanet 140162, MedGen C0027672, MeSH D009386, MONDO:0015356.
Hereditary nonpolyposis colorectal neoplasms. Identifiers: MedGen C0009405, MeSH D003123.

Submissions (2):

Ambry Genetics
Classification: Uncertain significance for Hereditary cancer-predisposing syndrome. Last evaluated: 2025-09-05. Review status: criteria provided, single submitter. Criteria: Ambry Variant Classification Scheme 2023. Collection method: clinical testing. Allele origin: germline.
Comment: The c.3521_3523dupTTA variant (also known as p.F1174_T1175insI), located in coding exon 6 of the MSH6 gene, results from an in-frame duplication of TTA at nucleotide positions 3521 to 3523. This results in the insertion of an extra residue (I) between codons 1174 and 1175. This amino acid region is highly conserved in available vertebrate species. In addition, this variant is predicted to be deleterious by in silico analysis (Choi Y et al. PLoS ONE. 2012; 7(10):e46688). Based on the available evidence, the clinical significance of this variant remains unclear.

Labcorp Genetics (formerly Invitae), Labcorp
Classification: Uncertain significance for Hereditary nonpolyposis colorectal neoplasms. Last evaluated: 2024-11-24. Review status: criteria provided, single submitter. Criteria: Invitae Variant Classification Sherloc (09022015). Collection method: clinical testing. Allele origin: germline.
Comment: This variant, c.3521_3523dup, results in the insertion of 1 amino acid(s) of the MSH6 protein (p.Phe1174_Thr1175insIle), but otherwise preserves the integrity of the reading frame. This variant is not present in population databases (gnomAD no frequency). This variant has not been reported in the literature in individuals affected with MSH6-related conditions. In summary, the available evidence is currently insufficient to determine the role of this variant in disease. Therefore, it has been classified as a Variant of Uncertain Significance.

NM_000179.3(MSH6):c.3521_3523dup (p.Phe1174_Thr1175insIle)

Gene: MSH6 (mutS homolog 6; plus strand). Cytogenetic location: 2p16.3.
Variant type: Duplication.
Coding change: c.3521_3523dup on transcript NM_000179.3 (MANE Select); coding-DNA positions 3521 to 3523, 3 bases duplicated (TTA; older notation c.3521_3523dupTTA).
Protein change: p.Phe1174_Thr1175insIle.
Molecular consequence: non-coding transcript variant (on NR_176256.1).
Genome position (GRCh38, 1-based): chr2:47,804,992-47,804,994, TTA duplicated. VCF-style (leftmost placement, unchanged base first): chr2-47804991-T-TTTA. GRCh37 (hg19) VCF-style: chr2-48032130-T-TTTA.
Other names: c.3131_3133dup, p.Phe1044_Thr1045insIle (NM_001281492.2); c.2615_2617dup, p.Phe872_Thr873insIle (NM_001281493.2, NM_001281494.2, NM_001406811.1 and 6 more transcripts); c.3617_3619dup, p.Phe1206_Thr1207insIle (NM_001406795.1, NM_001406802.1); c.3521_3523dup, p.Phe1174_Thr1175insIle (NM_001406796.1, NM_001406800.1, NM_001406808.1 and 1 more transcripts); c.3224_3226dup, p.Phe1075_Thr1076insIle (NM_001406797.1, NM_001406801.1, NM_001406805.1 and 10 more transcripts); c.3347_3349dup, p.Phe1116_Thr1117insIle (NM_001406798.1); c.2996_2998dup, p.Phe999_Thr1000insIle (NM_001406799.1, NM_001406806.1, NM_001406807.1); c.2657_2659dup, p.Phe886_Thr887insIle (NM_001406803.1); and 8 more.
Identifiers: ClinVar variation 3725915 (VCV003725915.3).